The following is an entry in ClinVar:

ClinVar aggregate classification (germline): Pathogenic (1 of 4 stars; one submission).

Submission:

Labcorp Genetics (formerly Invitae), Labcorp
Classification: Pathogenic. Last evaluated: 2021-07-03. Review status: criteria provided, single submitter. Criteria: Invitae Variant Classification Sherloc (09022015). Collection method: clinical testing. Allele origin: germline.
Comment: This variant is not present in population databases (ExAC no frequency). This variant has not been reported in the literature in individuals affected with USH2A-related conditions. For these reasons, this variant has been classified as Pathogenic. This sequence change creates a premature translational stop signal (p.Ile2659Metfs*15) in the USH2A gene. It is expected to result in an absent or disrupted protein product. Loss-of-function variants in USH2A are known to be pathogenic (PMID: 10729113, 10909849, 20507924, 25649381).

Literature cited by the submitters: PubMed 10729113; PubMed 10909849; PubMed 20507924; PubMed 25649381.

NM_206933.4(USH2A):c.7977del (p.Ile2659fs)

Gene: USH2A (usherin; minus strand). Cytogenetic location: 1q41.
Variant type: Deletion.
Coding change: c.7977del on transcript NM_206933.4 (MANE Select); coding-DNA position 7977, one base deleted (T; older notation c.7977delT).
Protein change: p.Ile2659fs; shifts the reading frame from isoleucine 2659.
Molecular consequence: frameshift variant.
Genome position (GRCh38, 1-based): chr1:215,888,672, A deleted on the plus strand (T on the coding strand, the reverse complement: USH2A is on the minus strand); the first of 2 consecutive A bases (chr1:215,888,672-215,888,673); deleting either gives the same sequence. VCF-style (leftmost placement, unchanged base first): chr1-215888671-CA-C. GRCh37 (hg19) VCF-style: chr1-216062013-CA-C.
Other names: short protein forms I2659fs.
Identifiers: ClinVar variation 1458420 (VCV001458420.6), dbSNP rs2102460222, ClinGen allele CA2573131612.